The following is an entry in ClinVar:

ClinVar aggregate classification (germline): Likely pathogenic (1 of 4 stars; one submission).

Conditions:
Dilated cardiomyopathy 1G (CMD1G). Identifiers: Orphanet 154, MedGen C1858763, MONDO:0011400, OMIM 604145.
Autosomal recessive limb-girdle muscular dystrophy type 2J (LGMDR10). Also called: Limb-girdle muscular dystrophy, type 2J; MUSCULAR DYSTROPHY, LIMB-GIRDLE, AUTOSOMAL RECESSIVE 10. Identifiers: Orphanet 140922, MedGen C1837342, MONDO:0012127, OMIM 608807.

Submission:

Labcorp Genetics (formerly Invitae), Labcorp
Classification: Likely pathogenic for Dilated cardiomyopathy 1G; Autosomal recessive limb-girdle muscular dystrophy type 2J. Last evaluated: 2025-08-24. Review status: criteria provided, single submitter. Criteria: Invitae Variant Classification Sherloc (09022015). Collection method: clinical testing. Allele origin: germline.
Comment: This sequence change creates a premature translational stop signal (p.Glu24294*) in the TTN gene. While this is not anticipated to result in nonsense mediated decay, it is expected to create a truncated TTN protein. This variant is not present in population databases (gnomAD no frequency). This variant has not been reported in the literature in individuals affected with TTN-related conditions. This variant is located in the A band of TTN (PMID: 25589632). Truncating variants in this region are significantly overrepresented in patients affected with dilated cardiomyopathy (PMID: 25589632). Truncating variants in this region have also been reported in individuals affected with autosomal recessive centronuclear myopathy (PMID: 23975875). In summary, the currently available evidence indicates that the variant is pathogenic, but additional data are needed to prove that conclusively. Therefore, this variant has been classified as Likely Pathogenic.

Literature cited by the submitters: PubMed 25589632; PubMed 23975875.

NM_001267550.2(TTN):c.72880G>T (p.Glu24294Ter)

Genes: TTN-AS1 (TTN antisense RNA 1; plus strand), TTN (titin; minus strand). Cytogenetic location: 2q31.2.
Variant type: single nucleotide variant.
Coding change: c.72880G>T on transcript NM_001267550.2 (MANE Select); coding-DNA position 72880, G replaced by T.
Protein change: p.Glu24294Ter; replaces glutamic acid 24294 with a stop codon.
Molecular consequence: nonsense.
Genome position (GRCh38, 1-based): chr2:178,573,252, C>A on the plus strand (G>T on the coding strand, the complement: TTN is on the minus strand). VCF-style: chr2-178573252-C-A. GRCh37 (hg19) VCF-style: chr2-179437979-C-A.
Other names: c.67957G>T, p.Glu22653Ter (NM_001256850.1); c.45685G>T, p.Glu15229Ter (NM_003319.4); c.65176G>T, p.Glu21726Ter (NM_133378.4); c.46060G>T, p.Glu15354Ter (NM_133432.3); c.46261G>T, p.Glu15421Ter (NM_133437.4); short protein forms E22653*, E15229*, E15354*, E15421*, E21726*, E24294*.
Identifiers: ClinVar variation 4784704 (VCV004784704.1).
Genomic context (GRCh38, chr2:178,573,252, plus strand): 5'-ATGGACTGGTAGGACTTGGTGCACTAATTCCAGCAGCATTTTCAGCCATAATCCTGAACT[C>A]ATATTCATGTCCTTCTGTCAGTCCAGACACTTTATATCTTAAATCAGTAAGAGTTTTTTT-3'